The following is an entry in ClinVar:

NM_003114.5(SPAG1):c.88A>G (p.Ile30Val)

Gene: SPAG1 (sperm associated antigen 1; plus strand). Cytogenetic location: 8q22.2.
Variant type: single nucleotide variant.
Coding change: c.88A>G on transcript NM_003114.5 (MANE Select); coding-DNA position 88, A replaced by G.
Protein change: p.Ile30Val; replaces isoleucine 30 with valine.
Molecular consequence: missense variant.
Genome position (GRCh38, 1-based): chr8:100,162,368, A>G. VCF-style: chr8-100162368-A-G. GRCh37 (hg19) VCF-style: chr8-101174596-A-G.
Other names: c.88A>G, p.Ile30Val (NM_001374321.1, NM_172218.3); c.88A>G (NM_003114.4); short protein forms I30V.
Identifiers: ClinVar variation 1765028 (VCV001765028.5), dbSNP rs550123264, ClinGen allele CA4827176.

ClinVar aggregate classification (germline): Uncertain significance. Review status: criteria provided, multiple submitters, no conflicts (2 of 4 stars). 3 submissions from 2 submitters: Uncertain significance (2). 1 of the submissions does not count toward it. Last evaluated 2025-01-30.

Conditions:
Primary ciliary dyskinesia. Also called: Ciliary dyskinesia. Identifiers: Orphanet 244, MedGen C0008780, MONDO:0016575, HP:0012265.
Primary ciliary dyskinesia 28. Also called: CILIARY DYSKINESIA, PRIMARY, 28, WITH OR WITHOUT SITUS INVERSUS. Identifiers: Orphanet 244, MedGen C3809706, MONDO:0014216, OMIM 615505.

Allele frequency attached by ClinVar (database versions not stated): ExAC 0.00009; 1000 Genomes Project 30x 0.00016; gnomAD 0.00019; 1000 Genomes Project 0.00020; TOPMed 0.00029; gnomAD exomes 0.00006.
gnomAD v4.1: 121 of 1,598,092 alleles (0.0076%); highest among the groups gnomAD compares: Middle Eastern, 0.2%; 1 homozygote.

Submissions (3):

Labcorp Genetics (formerly Invitae), Labcorp
Classification: Uncertain significance for Primary ciliary dyskinesia 28. Last evaluated: 2025-01-30. Review status: criteria provided, single submitter. Criteria: Invitae Variant Classification Sherloc (09022015). Collection method: clinical testing. Allele origin: germline.
Comment: This sequence change replaces isoleucine, which is neutral and non-polar, with valine, which is neutral and non-polar, at codon 30 of the SPAG1 protein (p.Ile30Val). This variant is present in population databases (rs550123264, gnomAD 0.1%). This variant has not been reported in the literature in individuals affected with SPAG1-related conditions. ClinVar contains an entry for this variant (Variation ID: 1765028). Invitae Evidence Modeling of protein sequence and biophysical properties (such as structural, functional, and spatial information, amino acid conservation, physicochemical variation, residue mobility, and thermodynamic stability) indicates that this missense variant is not expected to disrupt SPAG1 protein function with a negative predictive value of 80%. In summary, the available evidence is currently insufficient to determine the role of this variant in disease. Therefore, it has been classified as a Variant of Uncertain Significance.

Ambry Genetics
Classification: Uncertain significance for Primary ciliary dyskinesia. Last evaluated: 2016-12-12. Review status: criteria provided, single submitter. Criteria: Ambry Variant Classification Scheme 2023. Collection method: clinical testing. Allele origin: germline.
Comment: The p.I30V variant (also known as c.88A>G), located in coding exon 1 of the SPAG1 gene, results from an A to G substitution at nucleotide position 88. The isoleucine at codon 30 is replaced by valine, an amino acid with highly similar properties. This amino acid position is well conserved in available vertebrate species; however, valine is the reference amino acid in other vertebrate species. In addition, this alteration is predicted to be tolerated by in silico analysis. Since supporting evidence is limited at this time, the clinical significance of this alteration remains unclear.

Ambry Genetics
Classification: Uncertain significance for Primary ciliary dyskinesia. Last evaluated: 2021-06-22. Review status: flagged submission. Criteria: Ambry Variant Classification Scheme 2023. Collection method: clinical testing. Allele origin: germline. Not counted in ClinVar's aggregate classification.
ClinVar note: Reason: This record appears to be redundant with a more recent record from the same submitter.
ClinVar note: Notes: SCV003682271 appears to be redundant with SCV002685545.